The following is an entry in ClinVar:

ClinVar aggregate classification (germline): Pathogenic (1 of 4 stars; one submission).

Submission:

Labcorp Genetics (formerly Invitae), Labcorp
Classification: Pathogenic. Last evaluated: 2024-11-12. Review status: criteria provided, single submitter. Criteria: Invitae Variant Classification Sherloc (09022015). Collection method: clinical testing. Allele origin: germline.
Comment: This sequence change creates a premature translational stop signal (p.Asp431Trpfs*56) in the RNF168 gene. While this is not anticipated to result in nonsense mediated decay, it is expected to disrupt the last 141 amino acid(s) of the RNF168 protein. This variant is present in population databases (no rsID available, gnomAD 0.007%). This variant has not been reported in the literature in individuals affected with RNF168-related conditions. This variant disrupts a region of the RNF168 protein in which other variant(s) (p.Gln442Lysfs*45) have been determined to be pathogenic (PMID: 17940005, 19203578). This suggests that this is a clinically significant region of the protein, and that variants that disrupt it are likely to be disease-causing. For these reasons, this variant has been classified as Pathogenic.

Literature cited by the submitters: PubMed 17940005; PubMed 19203578.

NM_152617.4(RNF168):c.1290_1293del (p.Asp431fs)

Gene: RNF168 (ring finger protein 168; minus strand). Cytogenetic location: 3q29.
Variant type: Deletion.
Coding change: c.1290_1293del on transcript NM_152617.4 (MANE Select); coding-DNA positions 1290 to 1293, 4 bases deleted (AGAT; older notation c.1290_1293delAGAT).
Protein change: p.Asp431fs; shifts the reading frame from aspartic acid 431.
Molecular consequence: frameshift variant.
Genome position (GRCh38, 1-based): chr3:196,472,242-196,472,245, ATCT deleted on the plus strand (AGAT on the coding strand, the reverse complement: RNF168 is on the minus strand); deleting any 4 consecutive bases within chr3:196,472,242-196,472,248 gives the same sequence; the c. name uses the placement nearest the transcript's 3' end. VCF-style (leftmost placement, unchanged base first): chr3-196472241-AATCT-A. GRCh37 (hg19) VCF-style: chr3-196199112-AATCT-A.
Other names: short protein forms D431fs.
Identifiers: ClinVar variation 3724991 (VCV003724991.2).